The following is an entry in ClinVar:

NM_017654.4(SAMD9):c.1429A>G (p.Asn477Asp)

Gene: SAMD9 (sterile alpha motif domain containing 9; minus strand). Cytogenetic location: 7q21.2.
Variant type: single nucleotide variant.
Coding change: c.1429A>G on transcript NM_017654.4 (MANE Select); coding-DNA position 1429, A replaced by G.
Protein change: p.Asn477Asp; replaces asparagine 477 with aspartic acid.
Molecular consequence: missense variant.
Genome position (GRCh38, 1-based): chr7:93,104,669, T>C on the plus strand (A>G on the coding strand, the complement: SAMD9 is on the minus strand). VCF-style: chr7-93104669-T-C. GRCh37 (hg19) VCF-style: chr7-92733982-T-C.
Other names: c.1429A>G, p.Asn477Asp (NM_001193307.2); short protein forms N477D.
Identifiers: ClinVar variation 3949686 (VCV003949686.1).

ClinVar aggregate classification (germline): Uncertain significance (1 of 4 stars; one submission).

Conditions:
Inborn genetic diseases. Identifiers: MedGen C0950123, MeSH D030342.

Submission:

Ambry Genetics
Classification: Uncertain significance for Inborn genetic diseases. Last evaluated: 2025-05-31. Review status: criteria provided, single submitter. Criteria: Ambry Variant Classification Scheme 2023. Collection method: clinical testing. Allele origin: germline.
Comment: The p.N477D variant (also known as c.1429A>G), located in coding exon 1 of the SAMD9 gene, results from an A to G substitution at nucleotide position 1429. The asparagine at codon 477 is replaced by aspartic acid, an amino acid with highly similar properties. This amino acid position is conserved. In addition, this alteration is predicted to be tolerated by in silico analysis. Based on the available evidence, the clinical significance of this variant remains unclear.